The following is an entry in ClinVar:

NM_183235.3(RAB27A):c.467G>C (p.Gly156Ala)

Gene: RAB27A (RAB27A, member RAS oncogene family; minus strand). Cytogenetic location: 15q21.3.
Variant type: single nucleotide variant.
Coding change: c.467G>C on transcript NM_183235.3 (MANE Select); coding-DNA position 467, G replaced by C.
Protein change: p.Gly156Ala; replaces glycine 156 with alanine.
Molecular consequence: missense variant.
Genome position (GRCh38, 1-based): chr15:55,223,889, C>G on the plus strand (G>C on the coding strand, the complement: RAB27A is on the minus strand). VCF-style: chr15-55223889-C-G. GRCh37 (hg19) VCF-style: chr15-55516087-C-G.
Other names: c.467G>C, p.Gly156Ala (NM_004580.5, NM_183234.3, NM_183236.3); short protein forms G156A.
Identifiers: ClinVar variation 967802 (VCV000967802.10), dbSNP rs200031368, ClinGen allele CA7573570.

ClinVar aggregate classification (germline): Uncertain significance. Review status: criteria provided, multiple submitters, no conflicts (2 of 4 stars). 2 submissions from 2 submitters: Uncertain significance (2). Last evaluated 2025-07-10.

Conditions:
Griscelli syndrome type 2 (GS2). Also called: GRISCELLI SYNDROME WITH HEMOPHAGOCYTIC SYNDROME; PAID SYNDROME; PARTIAL ALBINISM AND IMMUNODEFICIENCY SYNDROME. Identifiers: Orphanet 381, Orphanet 79477, MedGen C1868679, MONDO:0011872, OMIM 607624.
Inborn genetic diseases. Identifiers: MedGen C0950123, MeSH D030342.

Allele frequency attached by ClinVar (database versions not stated): ExAC 0.00002; gnomAD 0.00003 and 0.00004; gnomAD exomes 0.00003 and 0.00006; TOPMed 0.00005.
gnomAD v4.1: 94 of 1,613,274 alleles (0.0058%); highest among the groups gnomAD compares: Non-Finnish European, 0.0079%; no homozygotes.

Submissions (4):

Ambry Genetics
Classification: Uncertain significance for Inborn genetic diseases. Last evaluated: 2025-07-10. Review status: criteria provided, single submitter. Criteria: Ambry Variant Classification Scheme 2023. Collection method: clinical testing. Allele origin: germline.
Comment: Occurs in the last base pair of the exon. Based on insufficient or conflicting evidence, the clinical significance of this alteration remains unclear.

Labcorp Genetics (formerly Invitae), Labcorp
Classification: Uncertain significance for Griscelli syndrome type 2. Last evaluated: 2024-10-07. Review status: criteria provided, single submitter. Criteria: Invitae Variant Classification Sherloc (09022015). Collection method: clinical testing. Allele origin: germline.
Comment: This sequence change replaces glycine, which is neutral and non-polar, with alanine, which is neutral and non-polar, at codon 156 of the RAB27A protein (p.Gly156Ala). This variant also falls at the last nucleotide of exon 5, which is part of the consensus splice site for this exon. This variant is present in population databases (rs200031368, gnomAD 0.006%). This variant has not been reported in the literature in individuals affected with RAB27A-related conditions. ClinVar contains an entry for this variant (Variation ID: 967802). An algorithm developed to predict the effect of missense changes on protein structure and function (PolyPhen-2) suggests that this variant¬†is likely to be tolerated. Variants that disrupt the consensus splice site are a relatively common cause of aberrant splicing (PMID: 17576681, 9536098). In summary, the available evidence is currently insufficient to determine the role of this variant in disease. Therefore, it has been classified as a Variant of Uncertain Significance.

Dr. Peter K. Rogan Lab, Western University
No classification provided (evidence only). Condition: Acute myeloid leukemia. Review status: no classification provided. Collection method: in vitro. Allele origin: not applicable. Functional consequence: retained intron. Not counted in ClinVar's aggregate classification.

Dr. Peter K. Rogan Lab, Western University
No classification provided (evidence only). Condition: Acute myeloid leukemia. Review status: no classification provided. Collection method: in vitro. Allele origin: not applicable. Functional consequence: retained intron. Not counted in ClinVar's aggregate classification.

Literature cited by the submitters: PubMed 17576681 (cited by Labcorp Genetics (formerly Invitae), Labcorp); PubMed 9536098 (cited by Labcorp Genetics (formerly Invitae), Labcorp).